The following is an entry in ClinVar:

NM_032520.5(GNPTG):c.610-28G>C

Gene: GNPTG (N-acetylglucosamine-1-phosphate transferase subunit gamma; plus strand). Cytogenetic location: 16p13.3.
Variant type: single nucleotide variant.
Coding change: c.610-28G>C on transcript NM_032520.5 (MANE Select); 28 bases into the intron before coding-DNA position 610, G replaced by C.
Molecular consequence: intron variant.
Genome position (GRCh38, 1-based): chr16:1,362,583, G>C. VCF-style: chr16-1362583-G-C. GRCh37 (hg19) VCF-style: chr16-1412584-G-C.
Identifiers: ClinVar variation 3050424 (VCV003050424.2), dbSNP rs1436743181, ClinGen allele CA620700213.
Genomic context (GRCh38, chr16:1,362,583, plus strand): 5'-ATCACCCCCCAGGTAAGCGTGCGCTCGGGGTGGCCCCTGGTGGGCCTGGCTGGGAGCTGG[G>C]TGCTGCCCCTGCATCCTCCACCTTCAGGGCCATGAGAAGTTGCTGAGGACACTTTTTGAG-3'

ClinVar aggregate classification (germline): Likely benign (0 of 4 stars; one submission).

Conditions:
GNPTG-related disorder. Also called: GNPTG-related condition.

Allele frequency attached by ClinVar (database versions not stated): gnomAD exomes 0.00001.
gnomAD v4.1: 3 of 1,614,144 alleles (0.00019%); highest among the groups gnomAD compares: Non-Finnish European, 0.00025%; no homozygotes.

Submission:

PreventionGenetics, part of Exact Sciences
Classification: Likely benign for GNPTG-related condition. Last evaluated: 2019-07-19. Review status: no assertion criteria provided. Collection method: clinical testing. Allele origin: germline.
Comment: This variant is classified as likely benign based on ACMG/AMP sequence variant interpretation guidelines (Richards et al. 2015 PMID: 25741868, with internal and published modifications).